The following is an entry in ClinVar:

ClinVar aggregate classification (germline): Likely pathogenic (1 of 4 stars; one submission).

Conditions:
Hyperinsulinemic hypoglycemia, familial, 1 (HHF1). Also called: HYPERINSULINISM, FAMILIAL, WITH PANCREATIC NESIDIOBLASTOSIS; HYPOGLYCEMIA, HYPERINSULINEMIC, OF INFANCY; NESIDIOBLASTOSIS OF PANCREAS; Persistent hyperinsulinemic hypoglycemia of infancy; Persistent Hyperinsulinemia Hypoglycemia of Infancy. Identifiers: Orphanet 276575, Orphanet 276598, MedGen C2931832, MONDO:0009734, OMIM 256450.

Submission:

Myriad Genetics, Inc.
Classification: Likely pathogenic for Hyperinsulinemic hypoglycemia, familial, 1. Last evaluated: 2022-03-15. Review status: criteria provided, single submitter. Criteria: Myriad Women's Health Autosomal Recessive and X-Linked Classification Criteria (2021). Collection method: clinical testing. Allele origin: unknown.
Comment: NM_000352.3(ABCC8):c.3881_3882delTC(L1294Qfs*111) is expected to be pathogenic in the context of familial hyperinsulinism, ABCC8-related. This variant is predicted to lead to an abnormal or absent protein product due to the creation of a premature termination codon in ABCC8, a gene where loss-of-function variants are known to be pathogenic. Please note: this variant was assessed in the context of healthy population screening.

NM_000352.6(ABCC8):c.3881_3882del (p.Leu1294fs)

Gene: ABCC8 (ATP binding cassette subfamily C member 8; minus strand). Cytogenetic location: 11p15.1.
Variant type: Deletion.
Coding change: c.3881_3882del on transcript NM_000352.6 (MANE Select); coding-DNA positions 3881 to 3882, 2 bases deleted (TC; older notation c.3881_3882delTC).
Protein change: p.Leu1294fs; shifts the reading frame from leucine 1294.
Molecular consequence: frameshift variant. On other transcripts: non-coding transcript variant (1).
Genome position (GRCh38, 1-based): chr11:17,397,299-17,397,300, GA deleted on the plus strand (TC on the coding strand, the reverse complement: ABCC8 is on the minus strand); deleting any 2 consecutive bases within chr11:17,397,299-17,397,301 gives the same sequence; the c. name uses the placement nearest the transcript's 3' end. VCF-style (leftmost placement, unchanged base first): chr11-17397298-TGA-T. GRCh37 (hg19) VCF-style: chr11-17418845-TGA-T.
Other names: c.3884_3885del, p.Leu1295fs (NM_001287174.3); c.3947_3948del, p.Leu1316fs (NM_001351295.2); c.3881_3882del, p.Leu1294fs (NM_001351296.2); c.3878_3879del, p.Leu1293fs (NM_001351297.2); short protein forms L1293fs, L1294fs, L1295fs, L1316fs.
Identifiers: ClinVar variation 1725314 (VCV001725314.2), dbSNP rs2496465721, ClinGen allele CA2580082746.